The following is an entry in ClinVar:

NC_000002.11:g.(?_149216328)_(149228050_?)del

Gene: MBD5 (methyl-CpG binding domain protein 5; plus strand). Cytogenetic location: 2q23.1.
Variant type: Deletion.
Identifiers: ClinVar variation 1459105 (VCV001459105.5).

ClinVar aggregate classification (germline): Pathogenic (1 of 4 stars; one submission).

Conditions:
Intellectual developmental disorder, autosomal dominant 1. Also called: Intellectual disability, autosomal dominant 1; MBD5 Haploinsufficiency. Identifiers: Orphanet 228402, MedGen C1969562, MONDO:0007974, OMIM 156200.

Submission:

Labcorp Genetics (formerly Invitae), Labcorp
Classification: Pathogenic for Intellectual developmental disorder, autosomal dominant 1. Last evaluated: 2020-12-03. Review status: criteria provided, single submitter. Criteria: Invitae Variant Classification Sherloc (09022015). Collection method: clinical testing. Allele origin: germline.
Comment: For these reasons, this variant has been classified as Pathogenic. This variant has not been reported in the literature in individuals with MBD5-related conditions. This variant is a gross deletion of the genomic region encompassing exon(s) 6-9 of the MBD5 gene, which includes the initiator codon. The 5' end of this event is unknown as it extends beyond the assayed region for this gene and therefore may encompass additional genes. The 3' boundary is likely confined to intron 9 of the MBD5 gene. It is expected to result in an absent or disrupted protein product. Loss-of-function variants in MBD5 are known to be pathogenic (PMID: 23422940, 23587880).

Literature cited by the submitters: PubMed 23422940; PubMed 23587880.